The following is an entry in ClinVar:

ClinVar aggregate classification (germline): Uncertain significance. Review status: criteria provided, multiple submitters, no conflicts (2 of 4 stars). 5 submissions from 5 submitters: Uncertain significance (4). 1 of the submissions does not count toward it. Last evaluated 2022-05-06.

Conditions:
Autosomal recessive nonsyndromic hearing loss 1B. Also called: DEAFNESS, AUTOSOMAL RECESSIVE 1B. Identifiers: Orphanet 90636, MedGen C2675235, MONDO:0012977, OMIM 612645.
Autosomal recessive nonsyndromic hearing loss 1A (DFNB1A). Also called: Nonsyndromic Hearing Loss and Deafness, DFNB1; GJB6-Related DFNB 1 Nonsyndromic Hearing Loss and Deafness; Deafness, autosomal recessive 1A; Connexin 26 deafness; Deafness nonsyndromic, Connexin 26 linked; GJB2-Related Autosomal Recessive Nonsyndromic Hearing Loss. Identifiers: Orphanet 90636, MedGen C2673759, MONDO:0009076, OMIM 220290.
Autosomal dominant nonsyndromic hearing loss 3B. Identifiers: Orphanet 90635, MedGen C2675237, MONDO:0012975, OMIM 612643.
Hidrotic ectodermal dysplasia syndrome (GJB6). Also called: Ectodermal dysplasia 2, hidrotic; Autosomal dominant hidrotic ectodermal dysplasia; Clouston syndrome; Clouston's hidrotic ectodermal dysplasia; CLOUSTON HIDROTIC ECTODERMAL DYSPLASIA; ECTODERMAL DYSPLASIA 2, CLOUSTON TYPE. Identifiers: Orphanet 189, MedGen C0162361, MONDO:0007510, OMIM 129500.

Allele frequency attached by ClinVar (database versions not stated): gnomAD exomes 0.00006 and 0.00001; ExAC 0.00005; TOPMed 0.00003.
gnomAD v4.1: 14 of 1,614,146 alleles (0.00087%); highest among the groups gnomAD compares: East Asian, 0.031%; no homozygotes.

Submissions (5):

Women's Health and Genetics/Laboratory Corporation of America, LabCorp
Classification: Uncertain significance. Last evaluated: 2022-05-06. Review status: criteria provided, single submitter. Criteria: LabCorp Variant Classification Summary - May 2015. Collection method: clinical testing. Allele origin: germline.
Comment: Variant summary: GJB6 c.119C>T (p.Ala40Val) results in a non-conservative amino acid change located in the first transmembrane domain (Yang_2010) of the encoded protein sequence. Five of five in-silico tools predict a damaging effect of the variant on protein function. The variant allele was found at a frequency of 5.6e-05 in 251494 control chromosomes, predominantly within the East Asian subpopulation at a frequency of 0.00076 in the gnomAD database. The observed variant frequency within East Asian control individuals in the gnomAD database is approximately 4800-fold of the estimated maximal expected allele frequency for a pathogenic variant in GJB6 causing Hidrotic Ectodermal Dysplasia Syndrome phenotype (1.6e-07), strongly suggesting that the variant is a benign polymorphism found primarily in populations of East Asian origin. On the other hand, the variant c.119C>T has been reported in the literature in individuals affected with nonsyndromic hearing-loss (Yang_2010, Oh_2013). The authors of these reports also performed in vitro functional studies evaluating an impact on protein function, and one of these demonstrated that the A40V variant protein resulted in CX30 protein accumulation in the Golgi rather than in the cytoplasmic membrane (Wang_2011), while the other study demonstrated proper localization and function for the variant protein (Oh_2013). These data do not allow clear conclusions about variant significance. Two submitters have provided clinical-significance assessments for this variant in ClinVar after 2014, and classified the variant as pathogenic (n=1) and VUS (n=1). Based on the evidence outlined above, the variant was classified as VUS-possibly benign.

Labcorp Genetics (formerly Invitae), Labcorp
Classification: Uncertain significance for Autosomal dominant nonsyndromic hearing loss 3B; Hidrotic ectodermal dysplasia syndrome; Autosomal recessive nonsyndromic hearing loss 1B; Autosomal recessive nonsyndromic hearing loss 1A. Last evaluated: 2022-01-18. Review status: criteria provided, single submitter. Criteria: Invitae Variant Classification Sherloc (09022015). Collection method: clinical testing. Allele origin: germline.
Comment: In summary, the available evidence is currently insufficient to determine the role of this variant in disease. Therefore, it has been classified as a Variant of Uncertain Significance. Experimental studies are conflicting or provide insufficient evidence to determine the effect of this variant on GJB6 function (PMID: 21731760, 22617145). Algorithms developed to predict the effect of missense changes on protein structure and function (SIFT, PolyPhen-2, Align-GVGD) all suggest that this variant is likely to be disruptive. ClinVar contains an entry for this variant (Variation ID: 424855). This missense change has been observed in individual(s) with nonsyndromic deafness (PMID: 17259707). This variant is present in population databases (rs780320724, gnomAD 0.08%), and has an allele count higher than expected for a pathogenic variant. This sequence change replaces alanine, which is neutral and non-polar, with valine, which is neutral and non-polar, at codon 40 of the GJB6 protein (p.Ala40Val).

Precision Medicine Center, Zhengzhou University
Classification: Uncertain significance for Autosomal dominant nonsyndromic hearing loss 3B. Last evaluated: 2006-06-30. Review status: criteria provided, single submitter. Criteria: ClinGen HL ACMG Specifications v1. Collection method: clinical testing. Allele origin: de novo. Affected: yes.
Comment: PS3_supporting +PP3: The missense variant has been shown to exert a deleterious effect on gene function via limited functional validation studies, providing supportive pathogenic evidence for the variant (PMID: 21731760)(PS3_supporting). Multiple authoritative in silico functional prediction tools consistently predicted this missense variant to be deleterious, with uniform results supporting a damaging impact on GJB6 gene function and protein structure (PP3). According to the ACMG/AMP guidelines, this variant is classified as Variant of Uncertain Significance (VUS).

Juno Genomics, Hangzhou Juno Genomics, Inc
Classification: Uncertain significance for Autosomal dominant nonsyndromic hearing loss 3B; Autosomal recessive nonsyndromic hearing loss 1B; Autosomal recessive nonsyndromic hearing loss 1A; Hidrotic ectodermal dysplasia syndrome. Review status: criteria provided, single submitter. Criteria: ACMG Guidelines, 2015. Collection method: clinical testing. Allele origin: germline. Affected: yes.
Comment: Multiple lines of computational evidence support a deleterious effect on the gene or gene product (conservation, evolutionary, splicing impact, etc).

GeneReviews
No classification provided. Condition: Autosomal dominant nonsyndromic hearing loss 3B. Review status: no classification provided. Collection method: literature only. Allele origin: germline. Not counted in ClinVar's aggregate classification.

Literature cited by the submitters: PubMed 31589614 (cited by Women's Health and Genetics/Laboratory Corporation of America, LabCorp); PubMed 22617145 (cited by Women's Health and Genetics/Laboratory Corporation of America, LabCorp and Labcorp Genetics (formerly Invitae), Labcorp); PubMed 21731760 (cited by 3 submitters); PubMed 17259707 (cited by 3 submitters); NCBI Bookshelf NBK1536 (cited by GeneReviews).

NM_001110219.3(GJB6):c.119C>T (p.Ala40Val)

Gene: GJB6 (gap junction protein beta 6; minus strand). Cytogenetic location: 13q12.11.
Variant type: single nucleotide variant.
Coding change: c.119C>T on transcript NM_001110219.3 (MANE Select); coding-DNA position 119, C replaced by T.
Protein change: p.Ala40Val; replaces alanine 40 with valine.
Molecular consequence: missense variant.
Genome position (GRCh38, 1-based): chr13:20,223,362, G>A on the plus strand (C>T on the coding strand, the complement: GJB6 is on the minus strand). VCF-style: chr13-20223362-G-A. GRCh37 (hg19) VCF-style: chr13-20797501-G-A.
Other names: c.119C>T, p.Ala40Val (NM_001110220.3, NM_001110221.3, NM_001370090.1 and 3 more transcripts); short protein forms A40V.
Identifiers: ClinVar variation 424855 (VCV000424855.12), dbSNP rs780320724, ClinGen allele CA6904506.